The following is an entry in ClinVar:

NM_001458.5(FLNC):c.4991C>T (p.Thr1664Met)

Gene: FLNC (filamin C; plus strand). Cytogenetic location: 7q32.1.
Variant type: single nucleotide variant.
Coding change: c.4991C>T on transcript NM_001458.5 (MANE Select); coding-DNA position 4991, C replaced by T.
Protein change: p.Thr1664Met; replaces threonine 1664 with methionine.
Molecular consequence: missense variant.
Genome position (GRCh38, 1-based): chr7:128,849,370, C>T. VCF-style: chr7-128849370-C-T. GRCh37 (hg19) VCF-style: chr7-128489424-C-T.
Other names: c.4991C>T, p.Thr1664Met (NM_001127487.2); short protein forms T1664M.
Identifiers: ClinVar variation 432545 (VCV000432545.70), dbSNP rs780829334, ClinGen allele CA4475536.
Genomic context (GRCh38, chr7:128,849,370, plus strand): 5'-GCAGGATCTCCCGCATGGCAGGTGCCTGCCTGGGCCCTCGAATCCAGATTGGGCAGGAGA[C>T]GGTGATCACGGTGGATGCCAAGGCAGCCGGTGAGGGGAAGGTGACATGCACGGTGTCCAC-3'
Protein context (NP_001449.3, residues 1654-1674): LGPRIQIGQE[Thr1664Met]VITVDAKAAG

ClinVar aggregate classification (germline): Conflicting classifications of pathogenicity. Review status: criteria provided, conflicting classifications (1 of 4 stars). 9 submissions from 9 submitters: Uncertain significance (7); Likely benign (2). Last evaluated 2026-02-02.

Conditions:
Myofibrillar myopathy 5. Also called: FILAMINOPATHY, AUTOSOMAL DOMINANT; Filaminopathy (type). Identifiers: Orphanet 171445, MedGen C1836050, MONDO:0012289, OMIM 609524.
Distal myopathy with posterior leg and anterior hand involvement. Also called: WILLIAMS DISTAL MYOPATHY. Identifiers: Orphanet 63273, MedGen C3279722, MONDO:0013550, OMIM 614065.
Hypertrophic cardiomyopathy 26. Also called: Cardiomyopathy, familial hypertrophic, 26. Identifiers: Orphanet 75249, MedGen C4310749, MONDO:0014883, OMIM 617047.
FLNC-related disorder. Also called: FLNC-related condition; FLNC-related disorders.
Cardiovascular phenotype. Identifiers: MedGen CN230736.

Allele frequency attached by ClinVar (database versions not stated): gnomAD 0.00006; gnomAD exomes 0.00006 and 0.00007; ExAC 0.00008; TOPMed 0.00008.
gnomAD v4.1: 105 of 1,613,970 alleles (0.0065%); highest among the groups gnomAD compares: South Asian, 0.011%; 1 homozygote.

Submissions (9):

GeneDx
Classification: Uncertain significance. Last evaluated: 2026-02-02. Review status: criteria provided, single submitter. Criteria: GeneDx Variant Classification Process June 2021. Collection method: clinical testing. Allele origin: germline. Affected: yes.
Comment: Observed in an individual with sudden death and an inconclusive autopsy; however, other potentially relevant variants were also identified (PMID: 32101375); Reported previously in the heterozygous state in a patient with familial dilated cardiomyopathy; however, no further clinical or segregation information was provided (PMID: 35463915); In silico analysis supports that this missense variant has a deleterious effect on protein structure/function; This variant is associated with the following publications: (PMID: 31376648, 37937776, 32101375, 31918855, 37904629, 35463915)

PreventionGenetics, part of Exact Sciences
Classification: Uncertain significance for FLNC-related condition. Last evaluated: 2026-01-21. Review status: criteria provided, single submitter. Criteria: ACMG Guidelines, 2015. Collection method: clinical testing. Allele origin: germline.
Comment: The FLNC c.4991C>T variant is predicted to result in the amino acid substitution p.Thr1664Met. This variant was reported in an individual with left ventricular noncompaction cardiomyopathy (Table S1, Liu et al. 2020. PubMed ID: 31918855) and was also reported as likely benign in a large genome sequencing study (able S16, Jensson et al. 2023. PubMed ID: 37937776). This variant is reported in 0.023% of alleles in individuals of South Asian descent in gnomAD and has conflicting interpretations regarding its pathogenicity in ClinVar, ranging from likely benign to uncertain. Although we suspect that this variant may be benign, at this time, the clinical significance of this variant is uncertain due to the absence of conclusive functional and genetic evidence.

Labcorp Genetics (formerly Invitae), Labcorp
Classification: Likely benign for Distal myopathy with posterior leg and anterior hand involvement; Myofibrillar myopathy 5; Hypertrophic cardiomyopathy 26. Last evaluated: 2025-12-16. Review status: criteria provided, single submitter. Criteria: Invitae Variant Classification Sherloc (09022015). Collection method: clinical testing. Allele origin: germline.

Ambry Genetics
Classification: Uncertain significance for Cardiovascular phenotype. Last evaluated: 2024-12-24. Review status: criteria provided, single submitter. Criteria: Ambry Variant Classification Scheme 2023. Collection method: clinical testing. Allele origin: germline.
Comment: The p.T1664M variant (also known as c.4991C>T), located in coding exon 30 of the FLNC gene, results from a C to T substitution at nucleotide position 4991. The threonine at codon 1664 is replaced by methionine, an amino acid with similar properties. This variant was reported in individual(s) with features consistent with dilated cardiomyopathy (Liu S et al. Int J Cardiol. 2020 03;302:117-123; Mori V et al. Int J Cardiol Heart Vasc. 2022 Jun;40:101023; Perret C et al. Clin Genet. 2024 Feb;105(2):185-189). This amino acid position is highly conserved in available vertebrate species. In addition, the in silico prediction for this alteration is inconclusive. Based on the available evidence, the clinical significance of this variant remains unclear.

Women's Health and Genetics/Laboratory Corporation of America, LabCorp
Classification: Likely benign. Last evaluated: 2024-04-29. Review status: criteria provided, single submitter. Criteria: LabCorp Variant Classification Summary - May 2015. Collection method: clinical testing. Allele origin: germline.
Comment: Variant summary: FLNC c.4991C>T (p.Thr1664Met) results in a non-conservative amino acid change in the encoded protein sequence. Four of five in-silico tools predict a damaging effect of the variant on protein function. The variant allele was found at a frequency of 7.2e-05 in 249232 control chromosomes. The observed variant frequency is approximately 6.5 fold of the estimated maximal expected allele frequency for a pathogenic variant in FLNC causing Cardiomyopathy phenotype (1.1e-05), strongly suggesting that the variant is benign. c.4991C>T has been reported in the literature in individuals affected with Cardiomyopathy (Liu_2020, Modena_2020, Mori_2022). However, in most cases, variants in other genes associated with Cardiomyopathy were also identified. These report(s) do not provide unequivocal conclusions about association of the variant with Cardiomyopathy. To our knowledge, no experimental evidence demonstrating an impact on protein function has been reported. The following publications have been ascertained in the context of this evaluation (PMID: 31918855, 32101375, 35463915). ClinVar contains an entry for this variant (Variation ID: 432545). Based on the evidence outlined above, the variant was classified as likely benign.

Mayo Clinic Laboratories, Mayo Clinic
Classification: Uncertain significance. Last evaluated: 2020-08-14. Review status: criteria provided, single submitter. Criteria: ACMG Guidelines, 2015. Collection method: clinical testing. Allele origin: germline. Observed: 1 variant allele.

Revvity Omics, Revvity
Classification: Uncertain significance. Last evaluated: 2019-10-09. Review status: criteria provided, single submitter. Criteria: ACMG Guidelines, 2015. Collection method: clinical testing. Allele origin: germline.

Institute of Human Genetics, University of Leipzig Medical Center
Classification: Uncertain significance for Hypertrophic cardiomyopathy 26. Last evaluated: 2019-01-01. Review status: criteria provided, single submitter. Criteria: ACMG Guidelines, 2015. Collection method: clinical testing. Allele origin: unknown. Affected: yes.

CeGaT Center for Human Genetics Tuebingen
Classification: Uncertain significance. Last evaluated: 2017-08-01. Review status: criteria provided, single submitter. Criteria: CeGaT Center For Human Genetics Tuebingen Variant Classification Criteria Version 2. Collection method: clinical testing. Allele origin: germline. Affected: yes. Observed: 1 variant allele.

Literature cited by the submitters: PubMed 31918855 (cited by Ambry Genetics and Women's Health and Genetics/Laboratory Corporation of America, LabCorp); PubMed 35463915 (cited by Ambry Genetics and Women's Health and Genetics/Laboratory Corporation of America, LabCorp); PubMed 37904629 (cited by Ambry Genetics); PubMed 32101375 (cited by Women's Health and Genetics/Laboratory Corporation of America, LabCorp).